The following is an entry in ClinVar:

NM_000059.4(BRCA2):c.5663A>G (p.Lys1888Arg)

Gene: BRCA2 (BRCA2 DNA repair associated; plus strand). Cytogenetic location: 13q13.1.
Variant type: single nucleotide variant.
Coding change: c.5663A>G on transcript NM_000059.4 (MANE Select); coding-DNA position 5663, A replaced by G.
Protein change: p.Lys1888Arg; replaces lysine 1888 with arginine.
Molecular consequence: missense variant.
Genome position (GRCh38, 1-based): chr13:32,340,018, A>G. VCF-style: chr13-32340018-A-G. GRCh37 (hg19) VCF-style: chr13-32914155-A-G.
Other names: short protein forms K1888R.
Identifiers: ClinVar variation 51903 (VCV000051903.45), dbSNP rs80358791, ClinGen allele CA022899.
Genomic context (GRCh38, chr13:32,340,018, plus strand): 5'-ACAGTTTCAGTAAAGTAATTAAGGAAAACAACGAGAATAAATCAAAAATTTGCCAAACGA[A>G]AATTATGGCAGGTTGTTACGAGGCATTGGATGATTCAGAGGATATTCTTCATAACTCTCT-3'
Protein context (NP_000050.3, residues 1878-1898): NENKSKICQT[Lys1888Arg]IMAGCYEALD

ClinVar aggregate classification (germline): Conflicting classifications of pathogenicity. Review status: criteria provided, conflicting classifications (1 of 4 stars). 13 submissions from 13 submitters: Uncertain significance (9); Likely benign (2). 2 of the submissions do not count toward it. Last evaluated 2026-06-10.

Conditions:
Hereditary cancer-predisposing syndrome. Also called: Neoplastic Syndromes, Hereditary; Tumor predisposition; Hereditary neoplastic syndrome; Hereditary Cancer Syndrome. Identifiers: Orphanet 140162, MedGen C0027672, MeSH D009386, MONDO:0015356.
Breast and/or ovarian cancer. Identifiers: MedGen CN221562.
Hereditary breast ovarian cancer syndrome. Also called: Hereditary breast and ovarian cancer syndrome (HBOC); Hereditary breast and ovarian cancer syndrome; Breast and ovarian cancer; Hereditary breast and ovarian cancer; Hereditary breast and/or ovarian cancer syndrome; BRCA1- and BRCA2-Associated Hereditary Breast and Ovarian Cancer. Identifiers: Orphanet 145, MedGen C0677776, MeSH D061325, MONDO:0003582. Disease mechanism: loss of function.
Breast-ovarian cancer, familial, susceptibility to, 2 (BROVCA2). Also called: BRCA2 Hereditary Breast and Ovarian Cancer. Identifiers: Orphanet 145, MedGen C2675520, MONDO:0012933, OMIM 612555. Disease mechanism: loss of function.

Allele frequency attached by ClinVar (database versions not stated): gnomAD exomes 0.00001; TOPMed 0.00002; gnomAD 0.00001; ExAC 0.00002; ESP Exome Variant Server 0.00008.
gnomAD v4.1: 12 of 1,612,830 alleles (0.00074%); highest among the groups gnomAD compares: Middle Eastern, 0.016%; no homozygotes.

Submissions (13):

Women's Health and Genetics/Laboratory Corporation of America, LabCorp
Classification: Uncertain significance. Last evaluated: 2026-06-10. Review status: criteria provided, single submitter. Criteria: LabCorp Variant Classification Summary - May 2015. Collection method: clinical testing. Allele origin: germline.
Comment: Variant summary: BRCA2 c.5663A>G (p.Lys1888Arg) results in a conservative amino acid change in the encoded protein sequence. Algorithms developed to predict the effect of missense changes on protein structure and function all suggest that this variant is likely to be tolerated. The variant allele was found at a frequency of 1.2e-05 in 249646 control chromosomes. The available data on variant occurrences in the general population are insufficient to allow any conclusion about variant significance. c.5663A>G has been observed in individuals affected with breast and/or ovarian cancer (Smirnova_2007, Incorvaia_2020, Fanale_2021). These reports do not provide unequivocal conclusions about association of the variant with disease. To our knowledge, no experimental evidence demonstrating an impact on protein function has been reported. The following publications have been ascertained in the context of this evaluation (PMID: 34178674, 32380732, 18256760). ClinVar contains an entry for this variant (Variation ID: 51903). Based on the evidence outlined above, the variant was classified as uncertain significance.

Labcorp Genetics (formerly Invitae), Labcorp
Classification: Uncertain significance for Hereditary breast ovarian cancer syndrome. Last evaluated: 2026-01-04. Review status: criteria provided, single submitter. Criteria: Invitae Variant Classification Sherloc (09022015). Collection method: clinical testing. Allele origin: germline.
Comment: This sequence change replaces lysine, which is basic and polar, with arginine, which is basic and polar, at codon 1888 of the BRCA2 protein (p.Lys1888Arg). This variant is present in population databases (rs80358791, gnomAD 0.003%). This missense change has been observed in individual(s) with breast and/or ovarian cancer (PMID: 18256760, 32380732). ClinVar contains an entry for this variant (Variation ID: 51903). Invitae Evidence Modeling of protein sequence and biophysical properties (such as structural, functional, and spatial information, amino acid conservation, physicochemical variation, residue mobility, and thermodynamic stability) indicates that this missense variant is not expected to disrupt BRCA2 protein function with a negative predictive value of 95%. In summary, the available evidence is currently insufficient to determine the role of this variant in disease. Therefore, it has been classified as a Variant of Uncertain Significance.

Quest Diagnostics Nichols Institute San Juan Capistrano
Classification: Uncertain significance. Last evaluated: 2025-07-08. Review status: criteria provided, single submitter. Criteria: Quest Diagnostics criteria. Collection method: clinical testing. Allele origin: unknown.
Comment: The BRCA2 c.5663A>G (p.Lys1888Arg) variant has been reported in the published literature in individuals with breast cancer (PMID: 34178674 (2021)) and ovarian cancer (PMID: 18256760 (2007)), and is described to be located in a region of the BRCA2 gene that is tolerant to missense sequence changes (PMID: 31911673 (2020)). In a large-scale breast cancer association study, this variant was observed in a breast cancer case as well as a reportedly unaffected individual (PMID: 33471991 (2021), see also LOVD). In addition, this variant was reported as being likely benign in a multifactorial likelihood study (PMID: 31131967 (2019)). The frequency of this variant in the general population (Genome Aggregation Database) is uninformative in the assessment of its pathogenicity. Analysis of this variant using bioinformatics tools for the prediction of the effect of amino acid changes on protein structure and function yielded predictions that this variant is benign. Based on the available information, we are unable to determine the clinical significance of this variant.

Center for Genomic Medicine, Rigshospitalet, Copenhagen University Hospital
Classification: Uncertain significance. Last evaluated: 2025-03-04. Review status: criteria provided, single submitter. Criteria: ACMG Guidelines, 2015. Collection method: clinical testing. Allele origin: germline.

GeneDx
Classification: Uncertain significance. Last evaluated: 2024-08-16. Review status: criteria provided, single submitter. Criteria: GeneDx Variant Classification Process June 2021. Collection method: clinical testing. Allele origin: germline. Affected: yes.
Comment: Observed in individuals with breast or ovarian cancer (PMID: 18256760, 34178674); In silico analysis indicates that this missense variant does not alter protein structure/function; Not observed at significant frequency in large population cohorts (gnomAD); Also known as 5891 A>G; This variant is associated with the following publications: (PMID: 18256760, 31131967, 34178674, 10923033)

Ambry Genetics
Classification: Uncertain significance for Hereditary cancer-predisposing syndrome. Last evaluated: 2024-05-08. Review status: criteria provided, single submitter. Criteria: Ambry Variant Classification Scheme 2023. Collection method: clinical testing. Allele origin: germline.
Comment: The p.K1888R variant (also known as c.5663A>G), located in coding exon 10 of the BRCA2 gene, results from an A to G substitution at nucleotide position 5663. The lysine at codon 1888 is replaced by arginine, an amino acid with highly similar properties. This alteration has been identified in a study of 74 Russian individuals diagnosed with ovarian cancer (Smirnova TY et al. Bull. Exp. Biol. Med., 2007 Jul;144:83-5). Additonally, this alteration was identified in an individual diagnosed with breast cancer (Fanale D et al. Front Oncol, 2021 Jun;11:682445). This variant was also reported in 1/60,466 breast cancer cases and in 1/53,461 controls (Dorling et al. N Engl J Med 2021 02;384:428-439). This amino acid position is not well conserved in available vertebrate species. In addition, this alteration is predicted to be tolerated by in silico analysis. Based on the available evidence, the clinical significance of this variant remains unclear.

University of Washington Department of Laboratory Medicine, University of Washington
Classification: Likely benign for Hereditary cancer-predisposing syndrome. Last evaluated: 2023-03-23. Review status: criteria provided, single submitter. Criteria: Dines et al. (Genet Med. 2020). Collection method: curation. Allele origin: germline.
Comment: Missense variant in a coldspot region where missense variants are very unlikely to be pathogenic (PMID:31911673).

BRCA2 exon 11 coldspot. Reclassification based on statistical prior probability.

Mayo Clinic Laboratories, Mayo Clinic
Classification: Uncertain significance. Last evaluated: 2022-09-23. Review status: criteria provided, single submitter. Criteria: ACMG Guidelines, 2015. Collection method: clinical testing. Allele origin: germline. Observed: 1 variant allele.
Comment: BP4, PM2

Sema4
Classification: Uncertain significance for Hereditary cancer-predisposing syndrome. Last evaluated: 2022-02-13. Review status: criteria provided, single submitter. Criteria: Sema4 Curation Guidelines. Collection method: curation. Allele origin: germline.
Comment: The BRCA2 c.5663A>G (p.K1888R) variant has been reported in heterozygosity in at least 1 individual with ovarian cancer (PMID: 18256760) and in 1 individual with breast cancer (PMID: 32380732, 34178674). It has been reported in a large case-control study of breast cancer in 1/60466 cases and 1/53461 controls (PMID: 33471991). This variant was observed in 3/113036 chromosomes in the European (non-Finnish) population, according to the Genome Aggregation Database (PMID: 32461654). This variant has been reported in ClinVar (Variation ID: 51903). Functional studies have not been performed, and in silico predictions of the variant's effect on protein function are inconclusive. The overall evidence is inconsistent with ACMG/AMP requirements for a classification of benign or pathogenic. In summary, the clinical significance of this variant is currently uncertain.

Genetic Services Laboratory, University of Chicago
Classification: Uncertain significance. Last evaluated: 2019-09-12. Review status: criteria provided, single submitter. Criteria: ACMG Guidelines, 2015. Collection method: clinical testing. Allele origin: germline. Affected: no.

Color Diagnostics, LLC DBA Color Health
Classification: Likely benign for Hereditary cancer-predisposing syndrome. Last evaluated: 2016-04-29. Review status: criteria provided, single submitter. Criteria: ACMG Guidelines, 2015. Collection method: clinical testing. Allele origin: germline.

Foulkes Cancer Genetics LDI, Lady Davis Institute for Medical Research
Classification: Uncertain significance for Breast and/or ovarian cancer. Last evaluated: 2016-05-18. Review status: no assertion criteria provided. Collection method: clinical testing. Allele origin: germline. Study: The Canadian Open Genetics Repository (COGR). Not counted in ClinVar's aggregate classification.

Breast Cancer Information Core (BIC) (BRCA2)
Classification: Uncertain significance for Breast-ovarian cancer, familial 2. Last evaluated: 2002-06-20. Review status: no assertion criteria provided. Collection method: clinical testing. Allele origin: germline. Affected: yes. Observed: 2 variant alleles. Not counted in ClinVar's aggregate classification.

Literature cited by the submitters: PubMed 18256760 (cited by 5 submitters); PubMed 32380732 (cited by 5 submitters); PubMed 34178674 (cited by 6 submitters); PubMed 31131967 (cited by Quest Diagnostics Nichols Institute San Juan Capistrano); PubMed 31911673 (cited by Quest Diagnostics Nichols Institute San Juan Capistrano); PubMed 33471991 (cited by Ambry Genetics and Sema4).